The following is an entry in ClinVar:

NM_000478.6(ALPL):c.358G>A (p.Gly120Arg)

Gene: ALPL (alkaline phosphatase, biomineralization associated; plus strand). Cytogenetic location: 1p36.12.
Variant type: single nucleotide variant.
Coding change: c.358G>A on transcript NM_000478.6 (MANE Select); coding-DNA position 358, G replaced by A.
Protein change: p.Gly120Arg; replaces glycine 120 with arginine.
Molecular consequence: missense variant.
Genome position (GRCh38, 1-based): chr1:21,563,170, G>A. VCF-style: chr1-21563170-G-A. GRCh37 (hg19) VCF-style: chr1-21889663-G-A.
Other names: c.193G>A, p.Gly65Arg (NM_001127501.4); c.127G>A, p.Gly43Arg (NM_001177520.3); c.358G>A, p.Gly120Arg (NM_001369803.2, NM_001369804.2, NM_001369805.2); short protein forms G120R, G43R, G65R.
Identifiers: ClinVar variation 2676481 (VCV002676481.2), dbSNP rs954135116, ClinGen allele CA19059201.

ClinVar aggregate classification (germline): Conflicting classifications of pathogenicity. Review status: criteria provided, conflicting classifications (1 of 4 stars). 2 submissions from 2 submitters: Likely pathogenic (1); Uncertain significance (1). Last evaluated 2025-08-29.

Conditions:
Adult hypophosphatasia. Identifiers: Orphanet 247676, Orphanet 436, MedGen C0268413, MONDO:1010154, OMIM 146300, MONDO:0007798.
Hypophosphatasia. Also called: Phosphoethanol-aminuria. Identifiers: Orphanet 436, MedGen C0020630, MeSH D007014, MONDO:0018570.

Allele frequency attached by ClinVar (database versions not stated): gnomAD exomes below 0.00001; TOPMed below 0.00001.
gnomAD v4.1: 1 of 1,613,818 alleles (0.000062%); highest among the groups gnomAD compares: Non-Finnish European, 0.000085%; no homozygotes.

Submissions (2):

Genomenon, Inc
Classification: Uncertain significance for Hypophosphatasia. Last evaluated: 2025-08-29. Review status: criteria provided, single submitter. Criteria: Genomenon Sequence Variant Interpretation Standards. Collection method: curation. Allele origin: germline. Affected: yes.
Comment: ALPL c.358G>A is a missense variant that changes the amino acid at residue 120 from Glycine to Arginine. This variant has been observed in a proband affected with hypophosphatasia (PMID:26783040). It is absent or not present at a significant frequency in gnomAD. In silico models agree that this variant is possibly or probably damaging. In conclusion, we classify ALPL p.Gly120Arg (c.358G>A) as a variant of unknown significance.

Baylor Genetics
Classification: Likely pathogenic for Adult hypophosphatasia. Last evaluated: 2023-10-02. Review status: criteria provided, single submitter. Criteria: ACMG Guidelines, 2015. Collection method: clinical testing. Allele origin: unknown.

Literature cited by the submitters: PubMed 26783040 (cited by Genomenon, Inc).